The following is an entry in ClinVar:

ClinVar aggregate classification (germline): Uncertain significance (1 of 4 stars; one submission).

Submission:

GeneDx
Classification: Uncertain significance. Last evaluated: 2019-09-25. Review status: criteria provided, single submitter. Criteria: GeneDx Variant Classification Process June 2021. Collection method: clinical testing. Allele origin: germline. Affected: yes.
Comment: In silico analysis, which includes protein predictors and evolutionary conservation, supports a deleterious effect; Not observed in large population cohorts (Lek et al., 2016); Has not been previously published as pathogenic or benign to our knowledge

NM_001145809.2(MYH14):c.4723C>G (p.Leu1575Val)

Gene: MYH14 (myosin heavy chain 14; plus strand). Cytogenetic location: 19q13.33.
Variant type: single nucleotide variant.
Coding change: c.4723C>G on transcript NM_001145809.2 (MANE Select); coding-DNA position 4723, C replaced by G.
Protein change: p.Leu1575Val; replaces leucine 1575 with valine.
Molecular consequence: missense variant.
Genome position (GRCh38, 1-based): chr19:50,286,665, C>G. VCF-style: chr19-50286665-C-G. GRCh37 (hg19) VCF-style: chr19-50789922-C-G.
Other names: c.4624C>G, p.Leu1542Val (NM_001077186.2); c.4600C>G, p.Leu1534Val (NM_024729.4); short protein forms L1534V, L1542V, L1575V.
Identifiers: ClinVar variation 1312369 (VCV001312369.2), dbSNP rs2123438114, ClinGen allele CA406959425.
Genomic context (GRCh38, chr19:50,286,665, plus strand): 5'-GAGGCACGTGAGGAGCTGGAGCGGCAGAACCGGGCCCTGCGGGCTGAGCTGGAGGCACTG[C>G]TGAGCAGCAAGGATGACGTCGGCAAGAGCGTGAGCAGGGCCCCCGCTCCCCGGGACACAC-3'
Protein context (NP_001139281.1, residues 1565-1585): RALRAELEAL[Leu1575Val]SSKDDVGKSV